The following is an entry in ClinVar:

ClinVar aggregate classification (germline): Pathogenic (1 of 4 stars; one submission).

Conditions:
Ataxia-telangiectasia syndrome (AT). Also called: Cerebello-oculocutaneous telangiectasia; Immunodeficiency with ataxia telangiectasia; Ataxia-telangiectasia, complementation group D; AT, COMPLEMENTATION GROUP C; Ataxia-telangiectasia, complementation group E; LOUIS-BAR SYNDROME. Identifiers: Orphanet 100, MedGen C0004135, MONDO:0008840, OMIM 208900.

Submission:

Labcorp Genetics (formerly Invitae), Labcorp
Classification: Pathogenic for Ataxia-telangiectasia syndrome. Last evaluated: 2019-10-21. Review status: criteria provided, single submitter. Criteria: Invitae Variant Classification Sherloc (09022015). Collection method: clinical testing. Allele origin: germline.
Comment: This sequence change creates a premature translational stop signal (p.Gln1171Hisfs*11) in the ATM gene. It is expected to result in an absent or disrupted protein product. This variant is not present in population databases (ExAC no frequency). This variant has not been reported in the literature in individuals with ATM-related conditions. Loss-of-function variants in ATM are known to be pathogenic (PMID: 23807571, 25614872). For these reasons, this variant has been classified as Pathogenic.

Literature cited by the submitters: PubMed 23807571; PubMed 25614872.

NM_000051.4(ATM):c.3511_3512dup (p.Gln1171fs)

Gene: ATM (ATM serine/threonine kinase; plus strand). Cytogenetic location: 11q22.3.
Variant type: Duplication.
Coding change: c.3511_3512dup on transcript NM_000051.4 (MANE Select); coding-DNA positions 3511 to 3512, 2 bases duplicated (CA; older notation c.3511_3512dupCA).
Protein change: p.Gln1171fs; shifts the reading frame from glutamine 1171.
Molecular consequence: frameshift variant.
Genome position (GRCh38, 1-based): chr11:108,281,103-108,281,104, CA duplicated; duplicating any 2 consecutive bases within chr11:108,281,102-108,281,104 gives the same sequence; the c. name uses the placement nearest the transcript's 3' end. VCF-style (leftmost placement, unchanged base first): chr11-108281101-A-AAC. GRCh37 (hg19) VCF-style: chr11-108151828-A-AAC.
Other names: c.3511_3512dupCA (NM_000051.3); c.3511_3512dup, p.Gln1171fs (NM_001351834.2); short protein forms Q1171fs.
Identifiers: ClinVar variation 453473 (VCV000453473.7), dbSNP rs1555091302, ClinGen allele CA658656210.
Genomic context (GRCh38, chr11:108,281,101, plus strand): 5'-GAAAATCTGTTTTACTGACGTTGATAGCTGTGGTTTTATCCTGTAGCCCTATCTGCGAAA[A>AAC]ACAGGCTTTGTTTGCCCTGTGTAAATCTGTGAAAGAGAATGGATTAGAACCTCACCTTGT-3'